The following is an entry in ClinVar:

NM_080425.4(GNAS):c.1043G>A (p.Arg348Gln)

Gene: GNAS (GNAS complex locus; plus strand). Cytogenetic location: 20q13.32.
Variant type: single nucleotide variant.
Coding change: c.1043G>A on transcript NM_080425.4 (MANE Plus Clinical); coding-DNA position 1043, G replaced by A.
Protein change: p.Arg348Gln; replaces arginine 348 with glutamine.
Molecular consequence: missense variant. On other transcripts: intron variant (3).
Genome position (GRCh38, 1-based): chr20:58,854,308, G>A. VCF-style: chr20-58854308-G-A. GRCh37 (hg19) VCF-style: chr20-57429363-G-A.
Other names: c.43+13422G>A (NM_001410912.1); c.-39+12433G>A (NM_001309861.2); c.856G>A, p.Glu286Lys (NM_001077490.3, NM_001309883.1); c.1043G>A, p.Arg348Gln (NM_001410913.1); c.*42+13422G>A (NM_016592.5); short protein forms E286K, R348Q.
Identifiers: ClinVar variation 4084589 (VCV004084589.8).

ClinVar aggregate classification (germline): Uncertain significance (1 of 4 stars; one submission).

gnomAD v4.1: 8 of 1,601,742 alleles (0.0005%); highest among the groups gnomAD compares: Admixed American, 0.0034%; no homozygotes.

Submission:

CeGaT Center for Human Genetics Tuebingen
Classification: Uncertain significance. Last evaluated: 2025-07-01. Review status: criteria provided, single submitter. Criteria: CeGaT Center For Human Genetics Tuebingen Variant Classification Criteria Version 2. Collection method: clinical testing. Allele origin: germline. Affected: yes. Observed: 1 variant allele.
Comment: GNAS: PM2, BP4